The following is an entry in ClinVar:

ClinVar aggregate classification (germline): Uncertain significance (1 of 4 stars; one submission).

Allele frequency attached by ClinVar (database versions not stated): ExAC 0.00003.

Submission:

Labcorp Genetics (formerly Invitae), Labcorp
Classification: Uncertain significance. Last evaluated: 2022-07-06. Review status: criteria provided, single submitter. Criteria: Invitae Variant Classification Sherloc (09022015). Collection method: clinical testing. Allele origin: germline.
Comment: Algorithms developed to predict the effect of missense changes on protein structure and function output the following: SIFT: "Deleterious"; PolyPhen-2: "Benign"; Align-GVGD: "Class C0". The histidine amino acid residue is found in multiple mammalian species, which suggests that this missense change does not adversely affect protein function. This variant has not been reported in the literature in individuals affected with SLC39A7-related conditions. This variant is present in population databases (rs746003756, gnomAD 0.006%). This sequence change replaces arginine, which is basic and polar, with histidine, which is basic and polar, at codon 258 of the SLC39A7 protein (p.Arg258His). In summary, the available evidence is currently insufficient to determine the role of this variant in disease. Therefore, it has been classified as a Variant of Uncertain Significance.

NM_006979.3(SLC39A7):c.773G>A (p.Arg258His)

Gene: SLC39A7 (solute carrier family 39 member 7; plus strand). Cytogenetic location: 6p21.32.
Variant type: single nucleotide variant.
Coding change: c.773G>A on transcript NM_006979.3 (MANE Select); coding-DNA position 773, G replaced by A.
Protein change: p.Arg258His; replaces arginine 258 with histidine.
Molecular consequence: missense variant.
Genome position (GRCh38, 1-based): chr6:33,202,401, G>A. VCF-style: chr6-33202401-G-A. GRCh37 (hg19) VCF-style: chr6-33170178-G-A.
Other names: c.773G>A, p.Arg258His (NM_001077516.2); c.398G>A, p.Arg133His (NM_001288777.2); short protein forms R133H, R258H.
Identifiers: ClinVar variation 1951723 (VCV001951723.5), dbSNP rs746003756, ClinGen allele CA3752353.